The following is an entry in ClinVar:

ClinVar aggregate classification (germline): Uncertain significance (1 of 4 stars; one submission).

Submission:

Quest Diagnostics Nichols Institute San Juan Capistrano
Classification: Uncertain significance. Last evaluated: 2025-03-25. Review status: criteria provided, single submitter. Criteria: Quest Diagnostics criteria. Collection method: clinical testing. Allele origin: unknown.
Comment: The BRCA2 c.8633-7T>C variant has not been reported in individuals with BRCA2-related conditions in the published literature. It also has not been reported in large, multi-ethnic general populations (Genome Aggregation Database). Analysis of this variant using software algorithms for the prediction of the effect of nucleotide changes on splicing yielded predictions that this variant does not affect BRCA2 mRNA splicing. Based on the available information, we are unable to determine the clinical significance of this variant.

NM_000059.4(BRCA2):c.8633-7T>C

Gene: BRCA2 (BRCA2 DNA repair associated; plus strand). Cytogenetic location: 13q13.1.
Variant type: single nucleotide variant.
Coding change: c.8633-7T>C on transcript NM_000059.4 (MANE Select); 7 bases into the intron before coding-DNA position 8633, T replaced by C.
Molecular consequence: intron variant.
Genome position (GRCh38, 1-based): chr13:32,376,663, T>C. VCF-style: chr13-32376663-T-C. GRCh37 (hg19) VCF-style: chr13-32950800-T-C.
Other names: c.8633-7T>C (NM_001432077.1, NM_001406720.1); c.8537-7T>C (NM_001406719.1); c.3701-7T>C (NM_001406721.1); c.2216-7T>C (NM_001406722.1).
Identifiers: ClinVar variation 4532838 (VCV004532838.1).